The following is an entry in ClinVar:

NC_000012.12:g.40436694G>A

Gene: MUC19 (mucin 19, oligomeric (gene/pseudogene); plus strand). Cytogenetic location: 12q12.
Variant type: single nucleotide variant.
Genome position: GRCh38 VCF-style: chr12-40436694-G-A. GRCh37 (hg19) VCF-style: chr12-40830496-G-A.
Identifiers: ClinVar variation 2642860 (VCV002642860.24), dbSNP rs767138360, ClinGen allele CA6515379.
Genomic context (GRCh38, chr12:40,436,694, plus strand): 5'-TTGCACTTGTGAAAACAGTCAGGACTGCCTATGTACAATTTTAGGCAACTATGTGAAAGC[G>A]TGTGCTGAGAAGGAAACATACATAGTGGGATGGAGAACTGGCCTATGTGGTAAGCAGCAG-3'

ClinVar aggregate classification (germline): Likely benign (1 of 4 stars; one submission).

Allele frequency attached by ClinVar (database versions not stated): ExAC 0.00006; gnomAD 0.00032; TOPMed 0.00038.

Submission:

CeGaT Center for Human Genetics Tuebingen
Classification: Likely benign. Last evaluated: 2022-05-01. Review status: criteria provided, single submitter. Criteria: CeGaT Center For Human Genetics Tuebingen Variant Classification Criteria Version 2. Collection method: clinical testing. Allele origin: germline. Affected: yes. Observed: 1 variant allele.
Comment: MUC19: BP4, BP7